The following is an entry in ClinVar:

ClinVar aggregate classification (germline): Pathogenic (1 of 4 stars; one submission).

Conditions:
Marfan syndrome (MFS). Also called: Marfan syndrome type 1; Marfan's syndrome; FBN1-Related Marfan Syndrome; MARFAN SYNDROME, TYPE I; Marfan syndrome, classic. Identifiers: Orphanet 284963, Orphanet 558, MedGen C0024796, MONDO:0007947, OMIM 154700.
Familial thoracic aortic aneurysm and aortic dissection (TAAD). Also called: Thoracic aortic aneurysms and dissections. Identifiers: Orphanet 91387, MedGen C4707243, MONDO:0019625.

Submission:

Labcorp Genetics (formerly Invitae), Labcorp
Classification: Pathogenic for Marfan syndrome; Familial thoracic aortic aneurysm and aortic dissection. Last evaluated: 2021-03-26. Review status: criteria provided, single submitter. Criteria: Invitae Variant Classification Sherloc (09022015). Collection method: clinical testing. Allele origin: germline.
Comment: This variant has not been reported in the literature in individuals with FBN1-related conditions. For these reasons, this variant has been classified as Pathogenic. This variant is not present in population databases (ExAC no frequency). This sequence change creates a premature translational stop signal (p.Tyr2596Serfs*84) in the FBN1 gene. It is expected to result in an absent or disrupted protein product. Loss-of-function variants in FBN1 are known to be pathogenic (PMID: 17657824, 19293843).

Literature cited by the submitters: PubMed 17657824; PubMed 19293843.

NM_000138.5(FBN1):c.7786_7792del (p.Tyr2596fs)

Gene: FBN1 (fibrillin 1; minus strand). Cytogenetic location: 15q21.1.
Variant type: Deletion.
Coding change: c.7786_7792del on transcript NM_000138.5 (MANE Select); coding-DNA positions 7786 to 7792, 7 bases deleted (TACCTCC; older notation c.7786_7792delTACCTCC).
Protein change: p.Tyr2596fs; shifts the reading frame from tyrosine 2596.
Molecular consequence: frameshift variant.
Genome position (GRCh38, 1-based): chr15:48,420,714-48,420,720, GGAGGTA deleted on the plus strand (TACCTCC on the coding strand, the reverse complement: FBN1 is on the minus strand); deleting any 7 consecutive bases within chr15:48,420,714-48,420,721 gives the same sequence; the c. name uses the placement nearest the transcript's 3' end. VCF-style (leftmost placement, unchanged base first): chr15-48420713-TGGAGGTA-T. GRCh37 (hg19) VCF-style: chr15-48712910-TGGAGGTA-T.
Other names: short protein forms Y2596fs.
Identifiers: ClinVar variation 1383231 (VCV001383231.6), dbSNP rs2141220647, ClinGen allele CA2573150964.